The following is an entry in ClinVar:

ClinVar aggregate classification (germline): Uncertain significance (1 of 4 stars; one submission).

Submission:

Labcorp Genetics (formerly Invitae), Labcorp
Classification: Uncertain significance. Last evaluated: 2024-07-31. Review status: criteria provided, single submitter. Criteria: Invitae Variant Classification Sherloc (09022015). Collection method: clinical testing. Allele origin: germline.
Comment: This sequence change replaces leucine, which is neutral and non-polar, with valine, which is neutral and non-polar, at codon 116 of the FOXP1 protein (p.Leu116Val). This variant is not present in population databases (gnomAD no frequency). This variant has not been reported in the literature in individuals affected with FOXP1-related conditions. Advanced modeling of protein sequence and biophysical properties (such as structural, functional, and spatial information, amino acid conservation, physicochemical variation, residue mobility, and thermodynamic stability) has been performed at Invitae for this missense variant, however the output from this modeling did not meet the statistical confidence thresholds required to predict the impact of this variant on FOXP1 protein function. In summary, the available evidence is currently insufficient to determine the role of this variant in disease. Therefore, it has been classified as a Variant of Uncertain Significance.

NM_001349338.3(FOXP1):c.346C>G (p.Leu116Val)

Gene: FOXP1 (forkhead box P1; minus strand). Cytogenetic location: 3p13.
Variant type: single nucleotide variant.
Coding change: c.346C>G on transcript NM_001349338.3 (MANE Select); coding-DNA position 346, C replaced by G.
Protein change: p.Leu116Val; replaces leucine 116 with valine.
Molecular consequence: missense variant. On other transcripts: non-coding transcript variant (2), intron variant (1).
Genome position (GRCh38, 1-based): chr3:71,053,710, G>C on the plus strand (C>G on the coding strand, the complement: FOXP1 is on the minus strand). VCF-style: chr3-71053710-G-C. GRCh37 (hg19) VCF-style: chr3-71102861-G-C.
Other names: c.46C>G, p.Leu16Val (NM_001349342.3, NM_001349343.3, NM_001349344.3 and 4 more transcripts); c.346C>G, p.Leu116Val (NM_032682.6, NM_001244808.3, NM_001244810.2 and 4 more transcripts); c.283-6615C>G (NM_001244812.3); short protein forms L116V, L16V.
Identifiers: ClinVar variation 3661083 (VCV003661083.2).